The following is an entry in ClinVar:

ClinVar aggregate classification (germline): Likely benign. Review status: criteria provided, multiple submitters, no conflicts (2 of 4 stars). 3 submissions from 3 submitters: Likely benign (3). Last evaluated 2025-09-08.

Conditions:
Hereditary cancer-predisposing syndrome. Also called: Hereditary neoplastic syndrome; Neoplastic Syndromes, Hereditary; Tumor predisposition; Hereditary Cancer Syndrome. Identifiers: Orphanet 140162, MedGen C0027672, MeSH D009386, MONDO:0015356.
Hereditary diffuse gastric adenocarcinoma (HDGC). Also called: DIFFUSE GASTRIC AND LOBULAR BREAST CANCER SYNDROME. Identifiers: Orphanet 26106, MedGen C1708349, MONDO:0007648, OMIM 137215.

Allele frequency attached by ClinVar (database versions not stated): TOPMed below 0.00001.
gnomAD v4.1: 1 of 1,613,798 alleles (0.000062%); highest among the groups gnomAD compares: Non-Finnish European, 0.000085%; no homozygotes.

Submissions (3):

Ambry Genetics
Classification: Likely benign for Hereditary cancer-predisposing syndrome. Last evaluated: 2025-09-08. Review status: criteria provided, single submitter. Criteria: Ambry Variant Classification Scheme 2023. Collection method: clinical testing. Allele origin: germline.

Myriad Genetics, Inc.
Classification: Likely benign for Hereditary diffuse gastric adenocarcinoma. Last evaluated: 2024-09-24. Review status: criteria provided, single submitter. Criteria: Myriad Autosomal Dominant, Autosomal Recessive and X-Linked Classification Criteria (2023). Collection method: clinical testing. Allele origin: unknown.
Comment: This variant is considered likely benign. This variant is intronic and is not expected to impact mRNA splicing.

Labcorp Genetics (formerly Invitae), Labcorp
Classification: Likely benign for Hereditary diffuse gastric adenocarcinoma. Last evaluated: 2023-05-19. Review status: criteria provided, single submitter. Criteria: Invitae Variant Classification Sherloc (09022015). Collection method: clinical testing. Allele origin: germline.

NM_004360.5(CDH1):c.2440-4T>C

Gene: CDH1 (cadherin 1; plus strand). Cytogenetic location: 16q22.1.
Variant type: single nucleotide variant.
Coding change: c.2440-4T>C on transcript NM_004360.5 (MANE Select); 4 bases into the intron before coding-DNA position 2440, T replaced by C.
Molecular consequence: intron variant.
Genome position (GRCh38, 1-based): chr16:68,833,286, T>C. VCF-style: chr16-68833286-T-C. GRCh37 (hg19) VCF-style: chr16-68867189-T-C.
Other names: c.2440-4T>C (LRG_301t1); c.892-4T>C (NM_001317185.2); c.475-4T>C (NM_001317186.2); c.2257-4T>C (NM_001317184.2).
Identifiers: ClinVar variation 463762 (VCV000463762.11), dbSNP rs1555518209, ClinGen allele CA658658498.